The following is an entry in ClinVar:

ClinVar aggregate classification (germline): Uncertain significance (1 of 4 stars; one submission).

Conditions:
Multiple endocrine neoplasia, type 2 (MEN2). Identifiers: Orphanet 653, MedGen C4048306, MONDO:0019003. Disease mechanism: gain of function.

Allele frequency attached by ClinVar (database versions not stated): gnomAD exomes below 0.00001.
gnomAD v4.1: 1 of 1,613,458 alleles (0.000062%); highest among the groups gnomAD compares: Non-Finnish European, 0.000085%; no homozygotes.

Submission:

Labcorp Genetics (formerly Invitae), Labcorp
Classification: Uncertain significance for Multiple endocrine neoplasia, type 2. Last evaluated: 2023-03-17. Review status: criteria provided, single submitter. Criteria: Invitae Variant Classification Sherloc (09022015). Collection method: clinical testing. Allele origin: germline.
Comment: In summary, the available evidence is currently insufficient to determine the role of this variant in disease. Therefore, it has been classified as a Variant of Uncertain Significance. An algorithm developed to predict the effect of missense changes on protein structure and function (PolyPhen-2) suggests that this variant is likely to be tolerated. This variant has not been reported in the literature in individuals affected with RET-related conditions. This variant is not present in population databases (gnomAD no frequency). This sequence change replaces glutamic acid, which is acidic and polar, with glycine, which is neutral and non-polar, at codon 902 of the RET protein (p.Glu902Gly).

NM_020975.6(RET):c.2705A>G (p.Glu902Gly)

Gene: RET (ret proto-oncogene; plus strand). Cytogenetic location: 10q11.21.
Variant type: single nucleotide variant.
Coding change: c.2705A>G on transcript NM_020975.6 (MANE Select); coding-DNA position 2705, A replaced by G.
Protein change: p.Glu902Gly; replaces glutamic acid 902 with glycine.
Molecular consequence: missense variant.
Genome position (GRCh38, 1-based): chr10:43,120,178, A>G. VCF-style: chr10-43120178-A-G. GRCh37 (hg19) VCF-style: chr10-43615626-A-G.
Other names: c.2705A>G, p.Glu902Gly (NM_000323.2, NM_001406743.1, NM_001406744.1 and 4 more transcripts); c.1943A>G, p.Glu648Gly (NM_001355216.2); c.2576A>G, p.Glu859Gly (NM_001406761.1, NM_001406762.1, NM_001406764.1); c.2570A>G, p.Glu857Gly (NM_001406763.1, NM_001406765.1); c.2180A>G, p.Glu727Gly (NM_001406774.1); c.1979A>G, p.Glu660Gly (NM_001406775.1, NM_001406776.1, NM_001406777.1 and 1 more transcripts); c.1808A>G, p.Glu603Gly (NM_001406779.1, NM_001406780.1, NM_001406781.1 and 1 more transcripts); c.1679A>G, p.Glu560Gly (NM_001406783.1, NM_001406786.1); and 10 more; short protein forms E467G, E507G, E563G, E648G, E727G, E857G, E660G, E770G.
Identifiers: ClinVar variation 2998526 (VCV002998526.3), dbSNP rs2132963709, ClinGen allele CA376557267.